The following is an entry in ClinVar:

NM_033380.3(COL4A5):c.2513T>G (p.Leu838Ter)

Gene: COL4A5 (collagen type IV alpha 5 chain; plus strand). Cytogenetic location: Xq22.3.
Variant type: single nucleotide variant.
Coding change: c.2513T>G on transcript NM_033380.3 (MANE Select); coding-DNA position 2513, T replaced by G.
Protein change: p.Leu838Ter; replaces leucine 838 with a stop codon.
Molecular consequence: nonsense.
Genome position (GRCh38, 1-based): chrX:108,620,262, T>G. VCF-style: chrX-108620262-T-G. GRCh37 (hg19) VCF-style: chrX-107863492-T-G.
Other names: c.2513T>G, p.Leu838Ter (NM_000495.5); short protein forms L838*.
Identifiers: ClinVar variation 804585 (VCV000804585.1), dbSNP rs1603297223, ClinGen allele CA413851239.
Genomic context (GRCh38, chrX:108,620,262, plus strand): 5'-AGATACATCTTTTAAAACTGCTTCAGTACTTATTAATATTGATATTGTATTAACTAGGTT[T>G]ACATGGAATACCAGGAGAGAAGGGGGATCCAGGACCTCCTGGACTTGATGTTCCAGGACC-3'

ClinVar aggregate classification (germline): Pathogenic (1 of 4 stars; one submission).

Submission:

Athena Diagnostics
Classification: Pathogenic. Last evaluated: 2019-03-05. Review status: criteria provided, single submitter. Criteria: Athena Diagnostics Criteria. Collection method: clinical testing. Allele origin: germline.
Comment: The variant creates a premature nonsense codon, and is therefore predicted to result in the loss of a functional protein. Found in at least one symptomatic patient, and not found in general population data.